The following is an entry in ClinVar:

ClinVar aggregate classification (germline): Uncertain significance (1 of 4 stars; one submission).

Conditions:
GSN-related disorder. Also called: GSN-related condition.

gnomAD v4.1: 3 of 1,257,806 alleles (0.00024%); highest among the groups gnomAD compares: African/African-American, 0.0015%; no homozygotes.

Submission:

PreventionGenetics, part of Exact Sciences
Classification: Uncertain significance for GSN-related condition. Last evaluated: 2025-12-05. Review status: criteria provided, single submitter. Criteria: ACMG Guidelines, 2015. Collection method: clinical testing. Allele origin: germline.
Comment: The GSN c.46G>A variant is predicted to result in the amino acid substitution p.Asp16Asn. Of note, this variant can be referred to as c.-17365G>A (pre-coding) with the more commonly reported isoform, NM_000177. To our knowledge, this variant has not been reported in the literature or in a large population database (gnomAD), indicating this variant is rare. At this time, the clinical significance of this variant is uncertain due to the absence of conclusive functional and genetic evidence.

NM_198252.3(GSN):c.-10+935G>A

Genes: GSN (gelsolin; plus strand), GSN-AS1 (GSN antisense RNA 1; minus strand), LOC126860752 (CDK7 strongly-dependent group 2 enhancer GRCh37_chr9:124043752-124044951; plus strand). Cytogenetic location: 9q33.2.
Variant type: single nucleotide variant.
Coding change: c.-10+935G>A on transcript NM_198252.3 (MANE Select); 935 bases into the intron after 10 bases upstream of the start codon, G replaced by A.
Molecular consequence: intron variant. On other transcripts: missense variant (1), 5 prime UTR variant (5), non-coding transcript variant (1).
Genome position (GRCh38, 1-based): chr9:121,282,497, G>A. VCF-style: chr9-121282497-G-A. GRCh37 (hg19) VCF-style: chr9-124044775-G-A.
Other names: c.46G>A, p.Asp16Asn (NM_001127663.2); c.-55G>A (NM_001353056.2, NM_001353059.2); c.-92G>A (NM_001353068.2, NM_001353073.2); c.-101G>A (NM_001353072.2); c.-10+935G>A (NM_001353054.1, NM_001353053.1, NM_001353060.2 and 2 more transcripts); c.-48+935G>A (NM_001353064.2, NM_001353066.2, NM_001353076.2 and 1 more transcripts); c.-2+935G>A (NM_001353058.2, NM_001353057.2); c.-39+544G>A (NM_001353065.2); and 12 more; short protein forms D16N.
Identifiers: ClinVar variation 4989131 (VCV004989131.1).